The following is an entry in ClinVar:

ClinVar aggregate classification (germline): Likely benign. Review status: criteria provided, multiple submitters, no conflicts (2 of 4 stars). 2 submissions from 2 submitters: Likely benign (2). Last evaluated 2025-11-22.

Conditions:
Wilson disease (WND). Also called: Wilson's disease. Identifiers: Orphanet 905, MedGen C0019202, MONDO:0010200, OMIM 277900. Disease mechanism: loss of function.

gnomAD v4.1: 7 of 1,614,050 alleles (0.00043%); highest among the groups gnomAD compares: Non-Finnish European, 0.00051%; no homozygotes.

Submissions (2):

Labcorp Genetics (formerly Invitae), Labcorp
Classification: Likely benign for Wilson disease. Last evaluated: 2025-11-22. Review status: criteria provided, single submitter. Criteria: Invitae Variant Classification Sherloc (09022015). Collection method: clinical testing. Allele origin: germline.

All of Us Research Program, National Institutes of Health
Classification: Likely benign for Wilson disease. Last evaluated: 2024-08-06. Review status: criteria provided, single submitter. Criteria: ACMG Guidelines, 2015. Collection method: clinical testing. Allele origin: germline. Inheritance: Autosomal recessive inheritance. Observed: 4 variant alleles, 4 heterozygotes.
Comment: This study involves interpretation of variants in research participants for the purpose of population health screening. Participant phenotype was not available at the time of variant classification. Additional details can be found in publication PMID: 35346344, PMCID: PMC8962531

NM_000053.4(ATP7B):c.2349G>A (p.Leu783=)

Gene: ATP7B (ATPase copper transporting beta; minus strand). Cytogenetic location: 13q14.3.
Variant type: single nucleotide variant.
Coding change: c.2349G>A on transcript NM_000053.4 (MANE Select); coding-DNA position 2349, G replaced by A.
Protein change: p.Leu783=; no amino-acid change (leucine 783 retained).
Molecular consequence: synonymous variant. On other transcripts: intron variant (2).
Genome position (GRCh38, 1-based): chr13:51,958,317, C>T on the plus strand (G>A on the coding strand, the complement: ATP7B is on the minus strand). VCF-style: chr13-51958317-C-T. GRCh37 (hg19) VCF-style: chr13-52532453-C-T.
Other names: c.2016G>A, p.Leu672= (NM_001243182.2); c.2097G>A, p.Leu699= (NM_001330579.2); c.1870-710G>A (NM_001005918.3); c.2122-710G>A (NM_001330578.2).
Identifiers: ClinVar variation 1117204 (VCV001117204.11), dbSNP rs778848412, ClinGen allele CA483896010.